The following is an entry in ClinVar:

ClinVar aggregate classification (germline): Uncertain significance (1 of 4 stars; one submission).

Conditions:
Gorlin syndrome. Also called: Nevoid Basal Cell Carcinoma Syndrome; Basal cell nevus syndrome. Identifiers: Orphanet 377, MedGen C0004779, MONDO:0007187.

Submission:

Labcorp Genetics (formerly Invitae), Labcorp
Classification: Uncertain significance for Gorlin syndrome. Last evaluated: 2024-07-02. Review status: criteria provided, single submitter. Criteria: Invitae Variant Classification Sherloc (09022015). Collection method: clinical testing. Allele origin: germline.
Comment: This sequence change affects codon 199 of the PTCH1 mRNA. It is a 'silent' change, meaning that it does not change the encoded amino acid sequence of the PTCH1 protein. RNA analysis indicates that this variant induces altered splicing and may result in an absent or disrupted protein product. This variant is not present in population databases (gnomAD no frequency). This variant has not been reported in the literature in individuals affected with PTCH1-related conditions. Studies have shown that this variant results in skipping of exon 4 and introduces a premature termination codon (Invitae). The resulting mRNA is expected to undergo nonsense-mediated decay. In summary, the available evidence is currently insufficient to determine the role of this variant in disease. Therefore, it has been classified as a Variant of Uncertain Significance.

NM_000264.5(PTCH1):c.597G>A (p.Leu199=)

Gene: PTCH1 (patched 1; minus strand). Cytogenetic location: 9q22.32.
Variant type: single nucleotide variant.
Coding change: c.597G>A on transcript NM_000264.5 (MANE Select); coding-DNA position 597, G replaced by A.
Protein change: p.Leu199=; no amino-acid change (leucine 199 retained).
Molecular consequence: synonymous variant. On other transcripts: non-coding transcript variant (1).
Genome position (GRCh38, 1-based): chr9:95,482,191, C>T on the plus strand (G>A on the coding strand, the complement: PTCH1 is on the minus strand). VCF-style: chr9-95482191-C-T. GRCh37 (hg19) VCF-style: chr9-98244473-C-T.
Other names: c.399G>A, p.Leu133= (NM_001083602.3, NM_001354919.2); c.594G>A, p.Leu198= (NM_001083603.3); c.144G>A, p.Leu48= (NM_001083604.3, NM_001083605.3, NM_001083606.3 and 1 more transcripts); c.597G>A, p.Leu199= (NM_001354918.2).
Identifiers: ClinVar variation 2763882 (VCV002763882.3), dbSNP rs2538247823, ClinGen allele CA466098095.
Genomic context (GRCh38, chr9:95,482,191, plus strand): 5'-TACCTGATCCATGTAACCTGTTTCTGTGATAAGCTCTCCTGATTTGTAACACAAATGTTC[C>T]AATTTCCACTGCCTAATAAAATGAAAAGCAGAGACAAAAATTTCTCACTGTAATAAGAAA-3'
Protein context (NP_000255.2, residues 189-209): HVYMYNRQWK[Leu199=]EHLCYKSGEL